The following is an entry in ClinVar:

ClinVar aggregate classification (germline): Uncertain significance (1 of 4 stars; one submission).

Conditions:
Familial hypobetalipoproteinemia 1. Also called: APOB-Related Familial Hypobetalipoproteinemia; Hypobetalipoproteinemia, normotriglyceridemic; Acanthocytosis with hypobetalipoproteinemia. Identifiers: MedGen C4551990, MONDO:0014252, OMIM 615558.
Hypercholesterolemia, autosomal dominant, type B (FHCL2). Also called: APOB-Related Familial Hypercholesterolemia, Autosomal Dominant; Familial hypercholesterolemia 2; Familial Hypercholesterolemia Type B; APOLIPOPROTEIN B-100, FAMILIAL DEFECTIVE; APOLIPOPROTEIN B-100, FAMILIAL LIGAND-DEFECTIVE; HYPERCHOLESTEROLEMIA, FAMILIAL, DUE TO LIGAND-DEFECTIVE APOLIPOPROTEIN B. Identifiers: MedGen C1704417, MONDO:0007751, OMIM 144010.

Submission:

Labcorp Genetics (formerly Invitae), Labcorp
Classification: Uncertain significance for Familial hypobetalipoproteinemia 1; Hypercholesterolemia, autosomal dominant, type B. Last evaluated: 2025-05-27. Review status: criteria provided, single submitter. Criteria: Invitae Variant Classification Sherloc (09022015). Collection method: clinical testing. Allele origin: germline.
Comment: This sequence change replaces valine, which is neutral and non-polar, with leucine, which is neutral and non-polar, at codon 879 of the APOB protein (p.Val879Leu). This variant is not present in population databases (gnomAD no frequency). This variant has not been reported in the literature in individuals affected with APOB-related conditions. Invitae Evidence Modeling of protein sequence and biophysical properties (such as structural, functional, and spatial information, amino acid conservation, physicochemical variation, residue mobility, and thermodynamic stability) indicates that this missense variant is not expected to disrupt APOB protein function with a negative predictive value of 95%. In summary, the available evidence is currently insufficient to determine the role of this variant in disease. Therefore, it has been classified as a Variant of Uncertain Significance.

NM_000384.3(APOB):c.2635G>T (p.Val879Leu)

Gene: APOB (apolipoprotein B; minus strand). Cytogenetic location: 2p24.1.
Variant type: single nucleotide variant.
Coding change: c.2635G>T on transcript NM_000384.3 (MANE Select); coding-DNA position 2635, G replaced by T.
Protein change: p.Val879Leu; replaces valine 879 with leucine.
Molecular consequence: missense variant.
Genome position (GRCh38, 1-based): chr2:21,023,012, C>A on the plus strand (G>T on the coding strand, the complement: APOB is on the minus strand). VCF-style: chr2-21023012-C-A. GRCh37 (hg19) VCF-style: chr2-21245884-C-A.
Other names: short protein forms V879L.
Identifiers: ClinVar variation 4790733 (VCV004790733.1).
Genomic context (GRCh38, chr2:21,023,012, plus strand): 5'-CCCCACTCCTAGCGAAGTCCGGAATGATGATGCCCATATTTGTCACAAACTCCACAGACA[C>A]GGAGGGTTTTGCCACCAGTTCAGCCTGCATCTATAAGTCAGAAAACAACCTATTCAGATT-3'
Protein context (NP_000375.3, residues 869-889): MQAELVAKPS[Val879Leu]SVEFVTNMGI